The following is an entry in ClinVar:

NM_000179.3(MSH6):c.2551A>T (p.Ser851Cys)

Gene: MSH6 (mutS homolog 6; plus strand). Cytogenetic location: 2p16.3.
Variant type: single nucleotide variant.
Coding change: c.2551A>T on transcript NM_000179.3 (MANE Select); coding-DNA position 2551, A replaced by T.
Protein change: p.Ser851Cys; replaces serine 851 with cysteine.
Molecular consequence: missense variant.
Genome position (GRCh38, 1-based): chr2:47,800,534, A>T. VCF-style: chr2-47800534-A-T. GRCh37 (hg19) VCF-style: chr2-48027673-A-T.
Other names: c.2161A>T, p.Ser721Cys (NM_001281492.2); c.1645A>T, p.Ser549Cys (NM_001281493.2, NM_001281494.2, NM_001406811.1 and 6 more transcripts); c.2647A>T, p.Ser883Cys (NM_001406795.1, NM_001406802.1); c.2551A>T, p.Ser851Cys (NM_001406796.1, NM_001406798.1, NM_001406800.1 and 2 more transcripts); c.2254A>T, p.Ser752Cys (NM_001406797.1, NM_001406801.1, NM_001406805.1 and 10 more transcripts); c.2026A>T, p.Ser676Cys (NM_001406799.1, NM_001406806.1, NM_001406807.1); c.2473A>T, p.Ser825Cys (NM_001406804.1); c.2557A>T, p.Ser853Cys (NM_001406813.1); and 1 more; short protein forms S795C, S825C, S851C, S721C, S853C, S549C, S676C, S752C.
Identifiers: ClinVar variation 1792955 (VCV001792955.4), dbSNP rs762352116, ClinGen allele CA346754570.

ClinVar aggregate classification (germline): Uncertain significance. Review status: criteria provided, multiple submitters, no conflicts (2 of 4 stars). 2 submissions from 2 submitters: Uncertain significance (2). Last evaluated 2023-06-13.

Conditions:
Hereditary cancer-predisposing syndrome. Also called: Tumor predisposition; Hereditary Cancer Syndrome; Neoplastic Syndromes, Hereditary; Hereditary neoplastic syndrome. Identifiers: Orphanet 140162, MedGen C0027672, MeSH D009386, MONDO:0015356.

Submissions (2):

Color Diagnostics, LLC DBA Color Health
Classification: Uncertain significance for Hereditary cancer-predisposing syndrome. Last evaluated: 2023-06-13. Review status: criteria provided, single submitter. Criteria: ACMG Guidelines, 2015. Collection method: clinical testing. Allele origin: germline.
Comment: This missense variant replaces serine with cysteine at codon 851 of the MSH6 protein. Computational prediction suggests that this variant may have deleterious impact on protein structure and function (internally defined REVEL score threshold >= 0.7, PMID: 27666373). To our knowledge, functional studies have not been reported for this variant. This variant has not been reported in individuals affected with MSH6-related disorders in the literature. This variant has not been identified in the general population by the Genome Aggregation Database (gnomAD). The available evidence is insufficient to determine the role of this variant in disease conclusively. Therefore, this variant is classified as a Variant of Uncertain Significance.

Ambry Genetics
Classification: Uncertain significance for Hereditary cancer-predisposing syndrome. Last evaluated: 2021-12-14. Review status: criteria provided, single submitter. Criteria: Ambry Variant Classification Scheme 2023. Collection method: clinical testing. Allele origin: germline.
Comment: The p.S851C variant (also known as c.2551A>T), located in coding exon 4 of the MSH6 gene, results from an A to T substitution at nucleotide position 2551. The serine at codon 851 is replaced by cysteine, an amino acid with dissimilar properties. This amino acid position is highly conserved in available vertebrate species. In addition, this alteration is predicted to be deleterious by in silico analysis. Since supporting evidence is limited at this time, the clinical significance of this alteration remains unclear.